The following is an entry in ClinVar:

NM_001999.4(FBN2):c.3594T>G (p.Cys1198Trp)

Gene: FBN2 (fibrillin 2; minus strand). Cytogenetic location: 5q23.3.
Variant type: single nucleotide variant.
Coding change: c.3594T>G on transcript NM_001999.4 (MANE Select); coding-DNA position 3594, T replaced by G.
Protein change: p.Cys1198Trp; replaces cysteine 1198 with tryptophan.
Molecular consequence: missense variant.
Genome position (GRCh38, 1-based): chr5:128,338,001, A>C on the plus strand (T>G on the coding strand, the complement: FBN2 is on the minus strand). VCF-style: chr5-128338001-A-C. GRCh37 (hg19) VCF-style: chr5-127673693-A-C.
Other names: short protein forms C1198W.
Identifiers: ClinVar variation 2876237 (VCV002876237.3), dbSNP rs2479809390, ClinGen allele CA360759082.

ClinVar aggregate classification (germline): Likely pathogenic (1 of 4 stars; one submission).

Conditions:
Congenital contractural arachnodactyly (CCA). Also called: BEALS SYNDROME; Arthrogryposis, distal, type 9; Beals-Hecht syndrome. Identifiers: Orphanet 115, MedGen C0220668, MONDO:0007363, OMIM 121050.

Submission:

Labcorp Genetics (formerly Invitae), Labcorp
Classification: Likely pathogenic for Congenital contractural arachnodactyly. Last evaluated: 2023-04-03. Review status: criteria provided, single submitter. Criteria: Invitae Variant Classification Sherloc (09022015). Collection method: clinical testing. Allele origin: germline.
Comment: This sequence change replaces cysteine, which is neutral and slightly polar, with tryptophan, which is neutral and slightly polar, at codon 1198 of the FBN2 protein (p.Cys1198Trp). This variant is not present in population databases (gnomAD no frequency). This variant has not been reported in the literature in individuals affected with FBN2-related conditions. Advanced modeling of protein sequence and biophysical properties (such as structural, functional, and spatial information, amino acid conservation, physicochemical variation, residue mobility, and thermodynamic stability) performed at Invitae indicates that this missense variant is expected to disrupt FBN2 protein function. Algorithms developed to predict the effect of sequence changes on RNA splicing suggest that this variant may create or strengthen a splice site. This variant affects a cysteine residue located within an epidermal growth factor (EGF)–like domain of the FBN2 protein. Cysteine residues in these domains are involved in the formation of disulfide bridges critical for protein structure and stability (PMID: 3495735, 4750422, 16677079). In addition, missense substitutions within the FBN2 EGF-like domains affecting cysteine residues are overrepresented in patients with congenital contractural arachnodactyly (PMID: 18767143). In summary, the currently available evidence indicates that the variant is pathogenic, but additional data are needed to prove that conclusively. Therefore, this variant has been classified as Likely Pathogenic.

Literature cited by the submitters: PubMed 3495735; PubMed 4750422; PubMed 16677079; PubMed 18767143.